The following is an entry in ClinVar:

ClinVar aggregate classification (germline): Uncertain significance. Review status: criteria provided, multiple submitters, no conflicts (2 of 4 stars). 2 submissions from 2 submitters: Uncertain significance (2). Last evaluated 2024-01-16.

Conditions:
Cardiovascular phenotype. Identifiers: MedGen CN230736.

Allele frequency attached by ClinVar (database versions not stated): gnomAD exomes below 0.00001.

Submissions (2):

Ambry Genetics
Classification: Uncertain significance for Cardiovascular phenotype. Last evaluated: 2024-01-16. Review status: criteria provided, single submitter. Criteria: Ambry Variant Classification Scheme 2023. Collection method: clinical testing. Allele origin: germline.
Comment: The p.W348* variant (also known as c.1044G>A), located in coding exon 3 of the APOA5 gene, results from a G to A substitution at nucleotide position 1044. This changes the amino acid from a tryptophan to a stop codon within coding exon 3. This alteration occurs at the 3' terminus of theAPOA5 gene, is not expected to trigger nonsense-mediated mRNAdecay, and only impacts the last 5% of the protein. The exact functional effect of this alteration is unknown. Since supporting evidence is limited at this time, the clinical significance of this alteration remains unclear.

Labcorp Genetics (formerly Invitae), Labcorp
Classification: Uncertain significance. Last evaluated: 2022-09-22. Review status: criteria provided, single submitter. Criteria: Invitae Variant Classification Sherloc (09022015). Collection method: clinical testing. Allele origin: germline.
Comment: In summary, the available evidence is currently insufficient to determine the role of this variant in disease. Therefore, it has been classified as a Variant of Uncertain Significance. Experimental studies and prediction algorithms are not available or were not evaluated, and the functional significance of this variant is currently unknown. This premature translational stop signal has been observed in individual(s) with APOA5-related conditions (Invitae). This variant is not present in population databases (gnomAD no frequency). This sequence change creates a premature translational stop signal (p.Trp348*) in the APOA5 gene. While this is not anticipated to result in nonsense mediated decay, it is expected to disrupt the last 19 amino acid(s) of the APOA5 protein.

NM_001371904.1(APOA5):c.1044G>A (p.Trp348Ter)

Gene: APOA5 (apolipoprotein A5; minus strand). Cytogenetic location: 11q23.3.
Variant type: single nucleotide variant.
Coding change: c.1044G>A on transcript NM_001371904.1 (MANE Select); coding-DNA position 1044, G replaced by A.
Protein change: p.Trp348Ter; replaces tryptophan 348 with a stop codon.
Molecular consequence: nonsense.
Genome position (GRCh38, 1-based): chr11:116,790,185, C>T on the plus strand (G>A on the coding strand, the complement: APOA5 is on the minus strand). VCF-style: chr11-116790185-C-T. GRCh37 (hg19) VCF-style: chr11-116660901-C-T.
Other names: c.1044G>A, p.Trp348Ter (NM_001166598.2, NM_052968.5); short protein forms W348*.
Identifiers: ClinVar variation 1775043 (VCV001775043.7), dbSNP rs1940969508, ClinGen allele CA382734170.